The following is an entry in ClinVar:

ClinVar aggregate classification (germline): Uncertain significance. Review status: criteria provided, multiple submitters, no conflicts (2 of 4 stars). 2 submissions from 2 submitters: Uncertain significance (2). Last evaluated 2022-10-24.

Conditions:
Tuberous sclerosis 2 (TSC2). Identifiers: Orphanet 805, MedGen C1860707, MONDO:0013199, OMIM 613254.

Submissions (2):

Labcorp Genetics (formerly Invitae), Labcorp
Classification: Uncertain significance for Tuberous sclerosis 2. Last evaluated: 2022-10-24. Review status: criteria provided, single submitter. Criteria: Invitae Variant Classification Sherloc (09022015). Collection method: clinical testing. Allele origin: germline.
Comment: Advanced modeling of protein sequence and biophysical properties (such as structural, functional, and spatial information, amino acid conservation, physicochemical variation, residue mobility, and thermodynamic stability) performed at Invitae indicates that this missense variant is not expected to disrupt TSC2 protein function. In summary, the available evidence is currently insufficient to determine the role of this variant in disease. Therefore, it has been classified as a Variant of Uncertain Significance. RNA analysis performed to evaluate the impact of this missense change on mRNA splicing indicates it does not significantly alter splicing (Invitae). ClinVar contains an entry for this variant (Variation ID: 1193421). This variant has not been reported in the literature in individuals affected with TSC2-related conditions. This variant is not present in population databases (gnomAD no frequency). This sequence change replaces aspartic acid, which is acidic and polar, with glycine, which is neutral and non-polar, at codon 907 of the TSC2 protein (p.Asp907Gly).

GeneDx
Classification: Uncertain significance. Last evaluated: 2020-02-05. Review status: criteria provided, single submitter. Criteria: GeneDx Variant Classification Process June 2021. Collection method: clinical testing. Allele origin: germline. Affected: yes.
Comment: Not observed in large population cohorts (Lek 2016); In silico analysis supports that this missense variant has a deleterious effect on protein structure/function; Has not been previously published as pathogenic or benign to our knowledge

NM_000548.5(TSC2):c.2720A>G (p.Asp907Gly)

Gene: TSC2 (TSC complex subunit 2; plus strand). Cytogenetic location: 16p13.3.
Variant type: single nucleotide variant.
Coding change: c.2720A>G on transcript NM_000548.5 (MANE Select); coding-DNA position 2720, A replaced by G.
Protein change: p.Asp907Gly; replaces aspartic acid 907 with glycine.
Molecular consequence: missense variant.
Genome position (GRCh38, 1-based): chr16:2,076,148, A>G. VCF-style: chr16-2076148-A-G. GRCh37 (hg19) VCF-style: chr16-2126149-A-G.
Other names: c.2720A>G, p.Asp907Gly (NM_001077183.3, NM_001114382.3, NM_001363528.2 and 3 more transcripts); c.2609A>G, p.Asp870Gly (NM_001318827.2); c.2573A>G, p.Asp858Gly (NM_001318829.2); c.2120A>G, p.Asp707Gly (NM_001318831.2); c.2753A>G, p.Asp918Gly (NM_001318832.2); short protein forms D707G, D858G, D870G, D907G, D918G.
Identifiers: ClinVar variation 1193421 (VCV001193421.8), dbSNP rs2151388705, ClinGen allele CA394279520.